The following is an entry in ClinVar:

ClinVar aggregate classification (germline): Uncertain significance. Review status: criteria provided, multiple submitters, no conflicts (2 of 4 stars). 3 submissions from 3 submitters: Uncertain significance (3). Last evaluated 2026-07-16.

Conditions:
Rhabdoid tumor predisposition syndrome 2 (RTPS2). Identifiers: Orphanet 231108, Orphanet 69077, MedGen C2750074, MONDO:0013224, OMIM 613325.
Hereditary cancer-predisposing syndrome. Also called: Hereditary neoplastic syndrome; Neoplastic Syndromes, Hereditary; Tumor predisposition; Hereditary Cancer Syndrome. Identifiers: Orphanet 140162, MedGen C0027672, MeSH D009386, MONDO:0015356.

Submissions (3):

Ambry Genetics
Classification: Uncertain significance for Hereditary cancer-predisposing syndrome. Last evaluated: 2026-07-16. Review status: criteria provided, single submitter. Criteria: Ambry Variant Classification Scheme 2023. Collection method: clinical testing. Allele origin: germline.
Comment: The p.E1666* variant (also known as c.4996G>T), located in coding exon 34 of the SMARCA4 gene, results from a G to T substitution at nucleotide position 4996. This changes the amino acid from a glutamic acid to a stop codon within coding exon 34. This variant occurs at the 3' terminus of the gene, is not expected to trigger nonsense-mediated mRNAdecay, and impacts the last 14 amino acids of the protein. The exact functional effect of this variant is unknown. Based on the available evidence, the clinical significance of this variant remains unclear.

GeneDx
Classification: Uncertain significance. Last evaluated: 2025-06-02. Review status: criteria provided, single submitter. Criteria: GeneDx Variant Classification Process June 2021. Collection method: clinical testing. Allele origin: germline. Affected: yes.
Comment: Nonsense variant predicted to result in protein truncation as the last 14 amino acid(s) are lost; Not observed at significant frequency in large population cohorts (gnomAD); Has not been previously published as pathogenic or benign to our knowledge

Labcorp Genetics (formerly Invitae), Labcorp
Classification: Uncertain significance for Rhabdoid tumor predisposition syndrome 2. Last evaluated: 2022-08-10. Review status: criteria provided, single submitter. Criteria: Invitae Variant Classification Sherloc (09022015). Collection method: clinical testing. Allele origin: germline.
Comment: In summary, the available evidence is currently insufficient to determine the role of this variant in disease. Therefore, it has been classified as a Variant of Uncertain Significance. This sequence change creates a premature translational stop signal (p.Glu1666*) in the SMARCA4 gene. While this is not anticipated to result in nonsense mediated decay, it is expected to disrupt the last 14 amino acid(s) of the SMARCA4 protein. This variant is not present in population databases (gnomAD no frequency). This variant has not been reported in the literature in individuals affected with SMARCA4-related conditions. Experimental studies and prediction algorithms are not available or were not evaluated, and the functional significance of this variant is currently unknown.

NM_003072.5(SMARCA4):c.4900G>T (p.Glu1634Ter)

Gene: SMARCA4 (SWI/SNF related BAF chromatin remodeling complex subunit ATPase 4; plus strand). Cytogenetic location: 19p13.2.
Variant type: single nucleotide variant.
Coding change: c.4900G>T on transcript NM_003072.5 (MANE Select); coding-DNA position 4900, G replaced by T.
Protein change: p.Glu1634Ter; replaces glutamic acid 1634 with a stop codon.
Molecular consequence: nonsense. On other transcripts: non-coding transcript variant (1).
Genome position (GRCh38, 1-based): chr19:11,060,176, G>T. VCF-style: chr19-11060176-G-T. GRCh37 (hg19) VCF-style: chr19-11170852-G-T.
Other names: c.4900G>T, p.Glu1634Ter (NM_001128844.3); c.4810G>T, p.Glu1604Ter (NM_001128845.2); c.4807G>T, p.Glu1603Ter (NM_001128846.2); c.4801G>T, p.Glu1601Ter (NM_001128847.4, NM_001374457.1); c.4798G>T, p.Glu1600Ter (NM_001128848.2); c.4996G>T, p.Glu1666Ter (NM_001128849.3, NM_001387283.1); c.4897G>T, p.Glu1633Ter (NM_001411150.1); c.4996G>T (NM_001128849.1); short protein forms E1600*, E1603*, E1601*, E1604*, E1633*, E1634*, E1666*.
Identifiers: ClinVar variation 2021212 (VCV002021212.6), dbSNP rs1328439981, ClinGen allele CA404080982.
Genomic context (GRCh38, chr19:11,060,176, plus strand): 5'-CGGCGGCCGAGCCGAGGGTCCCGAGCCAAGCCGGTCGTGAGTGACGATGACAGTGAGGAG[G>T]AACAAGAGGAGGTGAGGCCGGGCCCCCGAGCAGGCAGAGCTGGCATGTGGCAGGAGGCAT-3'